The following is an entry in ClinVar:

NM_001009999.3(KDM1A):c.1613A>G (p.Asn538Ser)

Gene: KDM1A (lysine demethylase 1A; plus strand). Cytogenetic location: 1p36.12.
Variant type: single nucleotide variant.
Coding change: c.1613A>G on transcript NM_001009999.3 (MANE Select); coding-DNA position 1613, A replaced by G.
Protein change: p.Asn538Ser; replaces asparagine 538 with serine.
Molecular consequence: missense variant.
Genome position (GRCh38, 1-based): chr1:23,072,188, A>G. VCF-style: chr1-23072188-A-G. GRCh37 (hg19) VCF-style: chr1-23398681-A-G.
Other names: c.1541A>G, p.Asn514Ser (NM_001363654.2, NM_001410763.1, NM_015013.4); c.1601A>G, p.Asn534Ser (NM_001410762.1); short protein forms N538S, N514S, N534S.
Identifiers: ClinVar variation 4091031 (VCV004091031.1).

ClinVar aggregate classification (germline): Uncertain significance (1 of 4 stars; one submission).

Conditions:
Inborn genetic diseases. Identifiers: MedGen C0950123, MeSH D030342.

Submission:

Ambry Genetics
Classification: Uncertain significance for Inborn genetic diseases. Last evaluated: 2025-06-22. Review status: criteria provided, single submitter. Criteria: Ambry Variant Classification Scheme 2023. Collection method: clinical testing. Allele origin: germline.
Comment: The p.N538S variant (also known as c.1613A>G), located in coding exon 14 of the KDM1A gene, results from an A to G substitution at nucleotide position 1613. The asparagine at codon 538 is replaced by serine, an amino acid with highly similar properties. This amino acid position is conserved. In addition, this alteration is predicted to be tolerated by in silico analysis. Based on the available evidence, the clinical significance of this variant remains unclear.